The following is an entry in ClinVar:

NM_004385.5(VCAN):c.2510A>T (p.Asn837Ile)

Gene: VCAN (versican; plus strand). Cytogenetic location: 5q14.3.
Variant type: single nucleotide variant.
Coding change: c.2510A>T on transcript NM_004385.5 (MANE Select); coding-DNA position 2510, A replaced by T.
Protein change: p.Asn837Ile; replaces asparagine 837 with isoleucine.
Molecular consequence: missense variant. On other transcripts: intron variant (2).
Genome position (GRCh38, 1-based): chr5:83,520,816, A>T. VCF-style: chr5-83520816-A-T. GRCh37 (hg19) VCF-style: chr5-82816635-A-T.
Other names: c.2510A>T, p.Asn837Ile (NM_001164098.2); c.1042+8420A>T (NM_001164097.2, NM_001126336.3); short protein forms N837I.
Identifiers: ClinVar variation 2710023 (VCV002710023.3), dbSNP rs2479052866, ClinGen allele CA360304080.

ClinVar aggregate classification (germline): Uncertain significance (1 of 4 stars; one submission).

Submission:

Labcorp Genetics (formerly Invitae), Labcorp
Classification: Uncertain significance. Last evaluated: 2024-01-18. Review status: criteria provided, single submitter. Criteria: Invitae Variant Classification Sherloc (09022015). Collection method: clinical testing. Allele origin: germline.
Comment: This sequence change replaces asparagine, which is neutral and polar, with isoleucine, which is neutral and non-polar, at codon 837 of the VCAN protein (p.Asn837Ile). This variant is not present in population databases (gnomAD no frequency). This variant has not been reported in the literature in individuals affected with VCAN-related conditions. An algorithm developed to predict the effect of missense changes on protein structure and function (PolyPhen-2) suggests that this variant is likely to be tolerated. In summary, the available evidence is currently insufficient to determine the role of this variant in disease. Therefore, it has been classified as a Variant of Uncertain Significance.